The following is an entry in ClinVar:

NM_002016.2(FLG):c.1980C>T (p.Pro660=)

Genes: CCDST (cervical cancer associated DHX9 suppressive transcript; plus strand), FLG (filaggrin; minus strand). Cytogenetic location: 1q21.3.
Variant type: single nucleotide variant.
Coding change: c.1980C>T on transcript NM_002016.2 (MANE Select); coding-DNA position 1980, C replaced by T.
Protein change: p.Pro660=; no amino-acid change (proline 660 retained).
Molecular consequence: synonymous variant.
Genome position (GRCh38, 1-based): chr1:152,312,906, G>A on the plus strand (C>T on the coding strand, the complement: FLG is on the minus strand). VCF-style: chr1-152312906-G-A. GRCh37 (hg19) VCF-style: chr1-152285382-G-A.
Identifiers: ClinVar variation 5041144 (VCV005041144.1).

ClinVar aggregate classification (germline): Likely benign (1 of 4 stars; one submission).

gnomAD v4.1: 2 of 1,613,982 alleles (0.00012%); highest among the groups gnomAD compares: African/African-American, 0.0027%; no homozygotes.

Submission:

CeGaT Center for Human Genetics Tuebingen
Classification: Likely benign. Last evaluated: 2026-09-01. Review status: criteria provided, single submitter. Criteria: CeGaT Center For Human Genetics Tuebingen Variant Classification Criteria Version 2. Collection method: clinical testing. Allele origin: germline. Affected: yes. Observed: 1 variant allele.
Comment: FLG: BP4, BP7